The following is an entry in ClinVar:

NM_001163809.2(WDR81):c.826C>T (p.Arg276Cys)

Gene: WDR81 (WD repeat domain 81; plus strand). Cytogenetic location: 17p13.3.
Variant type: single nucleotide variant.
Coding change: c.826C>T on transcript NM_001163809.2 (MANE Select); coding-DNA position 826, C replaced by T.
Protein change: p.Arg276Cys; replaces arginine 276 with cysteine.
Molecular consequence: missense variant. On other transcripts: intron variant (3).
Genome position (GRCh38, 1-based): chr17:1,725,785, C>T. VCF-style: chr17-1725785-C-T. GRCh37 (hg19) VCF-style: chr17-1629079-C-T.
Other names: c.-123-2205C>T (NM_152348.4); c.59-4595C>T (NM_001163673.2); c.-15+999C>T (NM_001163811.2); short protein forms R276C.
Identifiers: ClinVar variation 1031895 (VCV001031895.1), dbSNP rs886540540, ClinGen allele CA286868522.

ClinVar aggregate classification (germline): Uncertain significance (1 of 4 stars; one submission).

Conditions:
Cerebellar ataxia, impaired intellectual development, and dysequilibrium syndrome 2. Also called: Cerebellar ataxia, intellectual disability, and dysequilibrium syndrome 2; CEREBELLAR ATAXIA, MENTAL RETARDATION, AND DYSEQUILIBRIUM SYNDROME 2; CEREBELLAR ATAXIA AND MENTAL RETARDATION WITH OR WITHOUT QUADRUPEDAL LOCOMOTION 2. Identifiers: Orphanet 1766, MedGen C2750234, MONDO:0012430, OMIM 610185.

Allele frequency attached by ClinVar (database versions not stated): TOPMed 0.00003; gnomAD 0.00002.
gnomAD v4.1: 54 of 1,550,532 alleles (0.0035%); highest among the groups gnomAD compares: Non-Finnish European, 0.0047%; no homozygotes.

Submission:

Baylor Genetics
Classification: Uncertain significance for Cerebellar ataxia, impaired intellectual development, and dysequilibrium syndrome 2. Last evaluated: 2018-11-09. Review status: criteria provided, single submitter. Criteria: ACMG Guidelines, 2015. Collection method: clinical testing. Allele origin: maternal. Affected: yes.
Comment: This variant was determined to be of uncertain significance according to ACMG Guidelines, 2015 [PMID:25741868].